The following is an entry in ClinVar:

NM_003200.5(TCF3):c.367-104A>G

Gene: TCF3 (transcription factor 3; minus strand). Cytogenetic location: 19p13.3.
Variant type: single nucleotide variant.
Coding change: c.367-104A>G on transcript NM_003200.5 (MANE Select); 104 bases into the intron before coding-DNA position 367, A replaced by G.
Molecular consequence: intron variant.
Genome position (GRCh38, 1-based): chr19:1,625,812, T>C on the plus strand (A>G on the coding strand, the complement: TCF3 is on the minus strand). VCF-style: chr19-1625812-T-C. GRCh37 (hg19) VCF-style: chr19-1625811-T-C.
Other names: c.367-104A>G (NM_001351778.2, NM_001136139.4, NM_001351779.2).
Identifiers: ClinVar variation 2688221 (VCV002688221.2), dbSNP rs11084904, ClinGen allele CA14631017.

ClinVar aggregate classification (germline): Benign (1 of 4 stars; one submission).

Allele frequency attached by ClinVar (database versions not stated): gnomAD exomes 0.26952; TOPMed 0.28287; gnomAD 0.28300; 1000 Genomes Project 30x 0.37695; 1000 Genomes Project 0.38059.
gnomAD v4.1: 364,395 of 1,341,686 alleles (27%); highest among the groups gnomAD compares: East Asian, 70%; 52,774 homozygotes.

Submission:

Unidad de Genómica Garrahan, Hospital de Pediatría Garrahan
Classification: Benign. Last evaluated: 2024-01-24. Review status: criteria provided, single submitter. Criteria: ACMG Guidelines, 2015. Collection method: clinical testing. Allele origin: germline. Affected: no. Observed: 31 variant alleles.
Comment: This variant is classified as Benign based on local population frequency. This variant was detected in 33% of patients studied by a panel of primary immunodeficiencies. Number of patients: 31. Only high quality variants are reported.